The following is an entry in ClinVar:

NM_000284.4(PDHA1):c.689G>C (p.Gly230Ala)

Gene: PDHA1 (pyruvate dehydrogenase E1 subunit alpha 1; plus strand). Cytogenetic location: Xp22.12.
Variant type: single nucleotide variant.
Coding change: c.689G>C on transcript NM_000284.4 (MANE Select); coding-DNA position 689, G replaced by C.
Protein change: p.Gly230Ala; replaces glycine 230 with alanine.
Molecular consequence: missense variant.
Genome position (GRCh38, 1-based): chrX:19,355,434, G>C. VCF-style: chrX-19355434-G-C. GRCh37 (hg19) VCF-style: chrX-19373552-G-C.
Other names: c.803G>C, p.Gly268Ala (NM_001173454.2); c.710G>C, p.Gly237Ala (NM_001173455.2); c.596G>C, p.Gly199Ala (NM_001173456.2); short protein forms G199A, G230A, G237A, G268A.
Identifiers: ClinVar variation 3251977 (VCV003251977.1), dbSNP rs2518499783.
Genomic context (GRCh38, chrX:19,355,434, plus strand): 5'-TGGCAGCTTTGTGGAAATTACCTTGTATTTTCATCTGTGAGAATAATCGCTATGGAATGG[G>C]AACGTCTGTTGAGAGAGCGGCAGCCAGCACTGATTACTACAAGAGAGGCGATTTCATTCC-3'
Protein context (NP_000275.1, residues 220-240): FICENNRYGM[Gly230Ala]TSVERAAAST

ClinVar aggregate classification (germline): Uncertain significance (1 of 4 stars; one submission).

Conditions:
Pyruvate dehydrogenase E1-alpha deficiency (PDHAD). Also called: ATAXIA, INTERMITTENT, WITH ABNORMAL PYRUVATE METABOLISM; Ataxia, intermittent, with pyruvate dehydrogenase, or decarboxylase, deficiency; ATAXIA, INTERMITTENT, WITH PYRUVATE DEHYDROGENASE DEFICIENCY; ATAXIA WITH LACTIC ACIDOSIS I. Identifiers: Orphanet 79243, MedGen C1839413, MONDO:0010717, OMIM 312170.

Submission:

Diagnostics Services (NGS), CSIR - Centre For Cellular And Molecular Biology
Classification: Uncertain significance for Pyruvate dehydrogenase E1-alpha deficiency. Last evaluated: 2024-05-31. Review status: criteria provided, single submitter. Criteria: ACMG Guidelines, 2015. Collection method: clinical testing. Allele origin: germline. Affected: yes. Observed: 1 variant allele, 1 hemizygote.
Comment: The c.689G>C variant is not present in publicly available population databases like 1000 Genomes, ExAC, EVS, gnomAD, Indian Exome Database or our in-house exome database. This variant has neither been published in literature in individuals with PDHA1-related conditions nor reported to the clinical databases like Human Genome Mutation Database (HGMD), ClinVar or OMIM, in any affected individuals. In-silico pathogenicity prediction programs like SIFT, PolyPhen-2, MutationTaster2, CADD, Franklin etc predicted the variant to be likely deleterious, however these predictions were not confirmed by published functional studies. This variant is present in a mutational hotspot region of the gene.